The following is an entry in ClinVar:

NM_000257.4(MYH7):c.1395C>T (p.Phe465=)

Gene: MYH7 (myosin heavy chain 7; minus strand). Cytogenetic location: 14q11.2.
Variant type: single nucleotide variant.
Coding change: c.1395C>T on transcript NM_000257.4 (MANE Select); coding-DNA position 1395, C replaced by T.
Protein change: p.Phe465=; no amino-acid change (phenylalanine 465 retained).
Molecular consequence: synonymous variant.
Genome position (GRCh38, 1-based): chr14:23,428,967, G>A on the plus strand (C>T on the coding strand, the complement: MYH7 is on the minus strand). VCF-style: chr14-23428967-G-A. GRCh37 (hg19) VCF-style: chr14-23898176-G-A.
Other names: NM_000257.3(MYH7):c.1395C>T.
Identifiers: ClinVar variation 42843 (VCV000042843.31), dbSNP rs45508293, ClinGen allele CA010677.
Genomic context (GRCh38, chr14:23,428,967, plus strand): 5'-GGGAGCGAGTGAGTGATTGTTCTCCCACTCCCAGGGGTCCCAACTCACATCGAAGATCTC[G>A]AAGCCAGCGATGTCCAGGACTCCTATGAAGTACTGGCGTGGCTGCTTGGTCTCCAGGGTG-3'
Protein context (NP_000248.2, residues 455-475): YFIGVLDIAG[Phe465=]EIFDFNSFEQ

ClinVar aggregate classification (germline): Benign. Review status: reviewed by expert panel (3 of 4 stars). 16 submissions from 16 submitters: Benign (1). 15 of the submissions do not count toward it. Last evaluated 2025-11-11.

Conditions:
Hypertrophic cardiomyopathy 1 (CMH1). Also called: Familial hypertrophic cardiomyopathy 1; MYH7-Related Familial Hypertrophic Cardiomyopathy. Identifiers: MedGen C3495498, MONDO:0008647, OMIM 192600.
Myopathy, myosin storage, autosomal recessive (CMYO7B). Also called: CONGENITAL MYOPATHY 7B, MYOSIN STORAGE, AUTOSOMAL RECESSIVE. Identifiers: Orphanet 636970, MedGen C1850709, MONDO:0009708, OMIM 255160.
Myosin storage myopathy (CMYO7A). Also called: MYH7-related late-onset scapuloperoneal muscular dystrophy; Congenital myopathy 7A, myosin storage, autosomal dominant; Scapuloperoneal myopathy, MYH7-related; MYOPATHY WITH LYSIS OF TYPE I MYOFIBRILS; SCAPULOPERONEAL MUSCULAR DYSTROPHY; SCAPULOPERONEAL SYNDROME, MYOPATHIC TYPE. Identifiers: Orphanet 437572, Orphanet 636965, MedGen C1842160, MONDO:0008409, OMIM 608358.
Dilated cardiomyopathy 1S (CMD1S). Identifiers: Orphanet 154, Orphanet 54260, MedGen C1834481, MONDO:0013262, OMIM 613426.
MYH7-related skeletal myopathy. Also called: Laing early-onset distal myopathy; MYOPATHY, DISTAL, EARLY-ONSET, AUTOSOMAL DOMINANT; MYOPATHY, LATE DISTAL HEREDITARY; Myopathy, distal, 1; Laing distal myopathy. Identifiers: Orphanet 59135, MedGen C4552004, MONDO:0008050, OMIM 160500.
Congenital myopathy with fiber type disproportion. Also called: Congenital fiber-type disproportion; Congenital fiber-type disproportion myopathy. Identifiers: Orphanet 2020, MedGen C0546264, MONDO:0009711. Inheritance: all.
Cardiovascular phenotype. Identifiers: MedGen CN230736.
Cardiomyopathy (CMYO). Also called: Cardiomyopathies. Identifiers: Orphanet 167848, MedGen C0878544, MONDO:0004994, HP:0001638. Inheritance: Various modes of inheritance.
Hypertrophic cardiomyopathy. Also called: HYPERTROPHIC MYOCARDIOPATHY. Identifiers: Orphanet 217569, MedGen C0007194, MeSH D002312, MONDO:0005045, HP:0001639.

Allele frequency attached by ClinVar (database versions not stated): gnomAD exomes 0.00008 and 0.00022; ExAC 0.00026; 1000 Genomes Project 30x 0.00047; 1000 Genomes Project 0.00060; ESP Exome Variant Server 0.00069; gnomAD 0.00074 and 0.00082; TOPMed 0.00089.
gnomAD v4.1: 239 of 1,614,180 alleles (0.015%); highest among the groups gnomAD compares: African/African-American, 0.24%; no homozygotes.

Submissions (16):

ClinGen Cardiomyopathy Variant Curation Expert Panel
Classification: Benign for Hypertrophic cardiomyopathy. Last evaluated: 2025-11-11. Review status: reviewed by expert panel. Criteria: ClinGen CMP ACMG Specifications v1. Collection method: curation. Allele origin: germline. Inheritance: Autosomal dominant inheritance.
Comment: The filtering allele frequency of the c.1395C>T (p.Phe465=) variant in the MYH7 gene is 0.18% (27/10402) of African chromosomes by the Exome Aggregation Consortium, which is a high enough frequency to be classified as benign based on thresholds defined by the ClinGen Inherited Cardiomyopathy Expert Panel (BA1; PMID:29300372).

Labcorp Genetics (formerly Invitae), Labcorp
Classification: Benign for Hypertrophic cardiomyopathy. Last evaluated: 2026-01-31. Review status: criteria provided, single submitter. Criteria: Invitae Variant Classification Sherloc (09022015). Collection method: clinical testing. Allele origin: germline. Not counted in ClinVar's aggregate classification.

Molecular Diagnostic Laboratory for Inherited Cardiovascular Disease, Montreal Heart Institute
Classification: Benign. Last evaluated: 2025-04-09. Review status: criteria provided, single submitter. Criteria: ACMG Guidelines, 2015. Collection method: clinical testing. Allele origin: germline. Affected: no. Not counted in ClinVar's aggregate classification.

Blueprint Genetics
Classification: Likely benign. Last evaluated: 2024-08-28. Review status: criteria provided, single submitter. Criteria: ACMG Guidelines, 2015. Collection method: clinical testing. Allele origin: germline. Not counted in ClinVar's aggregate classification.

ARUP Laboratories, Molecular Genetics and Genomics, ARUP Laboratories
Classification: Benign. Last evaluated: 2024-06-27. Review status: criteria provided, single submitter. Criteria: ARUP Molecular Germline Variant Investigation Process 2024. Collection method: clinical testing. Allele origin: germline. Not counted in ClinVar's aggregate classification.

All of Us Research Program, National Institutes of Health
Classification: Benign for Cardiomyopathy. Last evaluated: 2024-02-05. Review status: criteria provided, single submitter. Criteria: ACMG Guidelines, 2015. Collection method: clinical testing. Allele origin: germline. Inheritance: Autosomal dominant inheritance. Observed: 49 variant alleles, 49 heterozygotes. Not counted in ClinVar's aggregate classification.
Comment: This study involves interpretation of variants in research participants for the purpose of population health screening. Participant phenotype was not available at the time of variant classification. Additional details can be found in publication PMID: 35346344, PMCID: PMC8962531

CHEO Genetics Diagnostic Laboratory, Children's Hospital of Eastern Ontario
Classification: Benign for Cardiomyopathy. Last evaluated: 2023-03-17. Review status: criteria provided, single submitter. Criteria: ACMG Guidelines, 2015. Collection method: clinical testing. Allele origin: germline. Not counted in ClinVar's aggregate classification.

Fulgent Genetics
Classification: Likely benign for MYH7-related skeletal myopathy; Myosin storage myopathy; Hypertrophic cardiomyopathy 1; Myopathy, myosin storage, autosomal recessive; Congenital myopathy 4A, autosomal dominant; Dilated cardiomyopathy 1S. Last evaluated: 2021-09-21. Review status: criteria provided, single submitter. Criteria: ACMG Guidelines, 2015. Collection method: clinical testing. Allele origin: unknown. Not counted in ClinVar's aggregate classification.

Color Diagnostics, LLC DBA Color Health
Classification: Benign for Cardiomyopathy. Last evaluated: 2018-12-04. Review status: criteria provided, single submitter. Criteria: ACMG Guidelines, 2015. Collection method: clinical testing. Allele origin: germline. Not counted in ClinVar's aggregate classification.

Ambry Genetics
Classification: Likely benign for Cardiovascular phenotype. Last evaluated: 2016-11-08. Review status: criteria provided, single submitter. Criteria: Ambry Variant Classification Scheme 2023. Collection method: clinical testing. Allele origin: germline. Not counted in ClinVar's aggregate classification.

GeneDx
Classification: Benign. Last evaluated: 2015-03-03. Review status: criteria provided, single submitter. Criteria: GeneDx Variant Classification Process June 2021. Collection method: clinical testing. Allele origin: germline. Affected: yes. Not counted in ClinVar's aggregate classification.

Laboratory for Molecular Medicine, Mass General Brigham Personalized Medicine
Classification: Likely benign. Last evaluated: 2014-10-22. Review status: criteria provided, single submitter. Criteria: LMM Criteria. Collection method: clinical testing. Allele origin: germline. Observed: 4 variant alleles. Not counted in ClinVar's aggregate classification.
Comment: p.Phe465Phe in exon 14 of MYH7: This variant is not expected to have clinical si gnificance because it does not alter an amino acid residue and is not located wi thin the splice consensus sequence. It has been identified in 0.2% (9/4406) of A frican American chromosomes by the NHLBI Exome Sequencing Project (.; dbSNP rs45508293).

Breakthrough Genomics
Classification: Benign. Review status: criteria provided, single submitter. Criteria: ACMG Guidelines, 2015. Collection method: not provided. Allele origin: germline. Inheritance: Autosomal recessive inheritance. Affected: yes. Not counted in ClinVar's aggregate classification.

Clinical Genetics DNA and cytogenetics Diagnostics Lab, Erasmus MC, Erasmus Medical Center
Classification: Likely benign. Review status: no assertion criteria provided. Collection method: clinical testing. Allele origin: germline. Affected: yes. Study: VKGL Data-share Consensus. Not counted in ClinVar's aggregate classification.

Clinical Genetics, Academic Medical Center
Classification: Benign. Review status: no assertion criteria provided. Collection method: clinical testing. Allele origin: germline. Affected: yes. Study: VKGL Data-share Consensus. Not counted in ClinVar's aggregate classification.

Genome Diagnostics Laboratory, University Medical Center Utrecht
Classification: Likely benign. Review status: no assertion criteria provided. Collection method: clinical testing. Allele origin: germline. Affected: yes. Study: VKGL Data-share Consensus. Not counted in ClinVar's aggregate classification.

Literature cited by the submitters: PubMed 29300372 (cited by ClinGen Cardiomyopathy Variant Curation Expert Panel).